The following is an entry in ClinVar:

ClinVar aggregate classification (germline): Uncertain significance (1 of 4 stars; one submission).

Conditions:
Fanconi anemia complementation group E (FANCE). Also called: FANCE-Related Fanconi Anemia. Identifiers: Orphanet 84, MedGen C3160739, MONDO:0010953, OMIM 600901.

Submission:

Labcorp Genetics (formerly Invitae), Labcorp
Classification: Uncertain significance for Fanconi anemia complementation group E. Last evaluated: 2022-05-19. Review status: criteria provided, single submitter. Criteria: Invitae Variant Classification Sherloc (09022015). Collection method: clinical testing. Allele origin: germline.
Comment: In summary, the available evidence is currently insufficient to determine the role of this variant in disease. Therefore, it has been classified as a Variant of Uncertain Significance. Algorithms developed to predict the effect of missense changes on protein structure and function are either unavailable or do not agree on the potential impact of this missense change (SIFT: "Tolerated"; PolyPhen-2: "Possibly Damaging"; Align-GVGD: "Class C0"). This variant has not been reported in the literature in individuals affected with FANCE-related conditions. This variant is not present in population databases (gnomAD no frequency). This sequence change replaces valine, which is neutral and non-polar, with alanine, which is neutral and non-polar, at codon 74 of the FANCE protein (p.Val74Ala).

NM_021922.3(FANCE):c.221T>C (p.Val74Ala)

Genes: FANCE (FA complementation group E; plus strand), LOC129996245 (ATAC-STARR-seq lymphoblastoid silent region 17092; plus strand). Cytogenetic location: 6p21.31.
Variant type: single nucleotide variant.
Coding change: c.221T>C on transcript NM_021922.3 (MANE Select); coding-DNA position 221, T replaced by C.
Protein change: p.Val74Ala; replaces valine 74 with alanine.
Molecular consequence: missense variant.
Genome position (GRCh38, 1-based): chr6:35,452,766, T>C. VCF-style: chr6-35452766-T-C. GRCh37 (hg19) VCF-style: chr6-35420543-T-C.
Other names: c.221T>C, p.Val74Ala (NM_001410876.1); short protein forms V74A.
Identifiers: ClinVar variation 2145471 (VCV002145471.4), dbSNP rs1333911902, ClinGen allele CA363770810.